The following is an entry in ClinVar:

NM_001291303.3(FAT4):c.14169G>T (p.Leu4723Phe)

Gene: FAT4 (FAT atypical cadherin 4; plus strand). Cytogenetic location: 4q28.1.
Variant type: single nucleotide variant.
Coding change: c.14169G>T on transcript NM_001291303.3 (MANE Select); coding-DNA position 14169, G replaced by T.
Protein change: p.Leu4723Phe; replaces leucine 4723 with phenylalanine.
Molecular consequence: missense variant.
Genome position (GRCh38, 1-based): chr4:125,490,985, G>T. VCF-style: chr4-125490985-G-T. GRCh37 (hg19) VCF-style: chr4-126412140-G-T.
Other names: c.14166G>T, p.Leu4722Phe (NM_001291285.3); c.14163G>T, p.Leu4721Phe (NM_024582.6); short protein forms L4721F, L4722F, L4723F.
Identifiers: ClinVar variation 1192853 (VCV001192853.10), dbSNP rs760377475, ClinGen allele CA3074516.

ClinVar aggregate classification (germline): Conflicting classifications of pathogenicity. Review status: criteria provided, conflicting classifications (1 of 4 stars). 2 submissions from 2 submitters: Uncertain significance (1); Likely benign (1). Last evaluated 2025-12-11.

Allele frequency attached by ClinVar (database versions not stated): gnomAD 0.00002 and 0.00003; gnomAD exomes 0.00002 and 0.00005; TOPMed 0.00004; ExAC 0.00005; 1000 Genomes Project 30x 0.00016.
gnomAD v4.1: 37 of 1,614,178 alleles (0.0023%); highest among the groups gnomAD compares: East Asian, 0.069%; no homozygotes.

Submissions (2):

Labcorp Genetics (formerly Invitae), Labcorp
Classification: Likely benign. Last evaluated: 2025-12-11. Review status: criteria provided, single submitter. Criteria: Invitae Variant Classification Sherloc (09022015). Collection method: clinical testing. Allele origin: germline.

GeneDx
Classification: Uncertain significance. Last evaluated: 2020-02-06. Review status: criteria provided, single submitter. Criteria: GeneDx Variant Classification Process June 2021. Collection method: clinical testing. Allele origin: germline. Affected: yes.
Comment: In silico analysis supports that this missense variant does not alter protein structure/function; Has not been previously published as pathogenic or benign to our knowledge